The following is an entry in ClinVar:

NM_001104631.2(PDE4D):c.2030A>G (p.Tyr677Cys)

Gene: PDE4D (phosphodiesterase 4D; minus strand). Cytogenetic location: 5q11.2.
Variant type: single nucleotide variant.
Coding change: c.2030A>G on transcript NM_001104631.2 (MANE Select); coding-DNA position 2030, A replaced by G.
Protein change: p.Tyr677Cys; replaces tyrosine 677 with cysteine.
Molecular consequence: missense variant.
Genome position (GRCh38, 1-based): chr5:58,975,064, T>C on the plus strand (A>G on the coding strand, the complement: PDE4D is on the minus strand). VCF-style: chr5-58975064-T-C. GRCh37 (hg19) VCF-style: chr5-58270891-T-C.
Other names: c.1847A>G, p.Tyr616Cys (NM_001165899.2, NM_001364599.1); c.1838A>G, p.Tyr613Cys (NM_001197218.2); c.1664A>G, p.Tyr555Cys (NM_001197219.2); c.1640A>G, p.Tyr547Cys (NM_001197220.2); c.1124A>G, p.Tyr375Cys (NM_001197221.2, NM_001364603.1); c.1358A>G, p.Tyr453Cys (NM_001197222.2); c.1157A>G, p.Tyr386Cys (NM_001197223.2); c.1817A>G, p.Tyr606Cys (NM_001349241.2); and 3 more; short protein forms Y375C, Y386C, Y421C, Y453C, Y541C, Y547C, Y555C, Y567C.
Identifiers: ClinVar variation 3614816 (VCV003614816.2).

ClinVar aggregate classification (germline): Uncertain significance (1 of 4 stars; one submission).

Submission:

Labcorp Genetics (formerly Invitae), Labcorp
Classification: Uncertain significance. Last evaluated: 2024-04-06. Review status: criteria provided, single submitter. Criteria: Invitae Variant Classification Sherloc (09022015). Collection method: clinical testing. Allele origin: germline.
Comment: This sequence change replaces tyrosine, which is neutral and polar, with cysteine, which is neutral and slightly polar, at codon 677 of the PDE4D protein (p.Tyr677Cys). This variant is not present in population databases (gnomAD no frequency). This missense change has been observed in individual(s) with PDE4D-related conditions (Invitae). Advanced modeling of protein sequence and biophysical properties (such as structural, functional, and spatial information, amino acid conservation, physicochemical variation, residue mobility, and thermodynamic stability) performed at Invitae indicates that this missense variant is expected to disrupt PDE4D protein function with a positive predictive value of 80%. This variant disrupts the p.Tyr677 amino acid residue in PDE4D. Other variant(s) that disrupt this residue have been determined to be pathogenic (PMID: 30006632, 31520578). This suggests that this residue is clinically significant, and that variants that disrupt this residue are likely to be disease-causing. In summary, the available evidence is currently insufficient to determine the role of this variant in disease. Therefore, it has been classified as a Variant of Uncertain Significance.

Literature cited by the submitters: PubMed 30006632; PubMed 31520578.